The following is an entry in ClinVar:

NM_005633.4(SOS1):c.1853A>G (p.Tyr618Cys)

Gene: SOS1 (SOS Ras/Rac guanine nucleotide exchange factor 1; minus strand). Cytogenetic location: 2p22.1.
Variant type: single nucleotide variant.
Coding change: c.1853A>G on transcript NM_005633.4 (MANE Select); coding-DNA position 1853, A replaced by G.
Protein change: p.Tyr618Cys; replaces tyrosine 618 with cysteine.
Molecular consequence: missense variant.
Genome position (GRCh38, 1-based): chr2:39,022,575, T>C on the plus strand (A>G on the coding strand, the complement: SOS1 is on the minus strand). VCF-style: chr2-39022575-T-C. GRCh37 (hg19) VCF-style: chr2-39249716-T-C.
Other names: c.1832A>G, p.Tyr611Cys (NM_001382394.1); c.1853A>G, p.Tyr618Cys (NM_001382395.1); short protein forms Y618C, Y611C.
Identifiers: ClinVar variation 1781362 (VCV001781362.5), dbSNP rs1669831902, ClinGen allele CA346365242.

ClinVar aggregate classification (germline): Uncertain significance. Review status: criteria provided, multiple submitters, no conflicts (2 of 4 stars). 3 submissions from 3 submitters: Uncertain significance (3). Last evaluated 2024-05-21.

Conditions:
Cardiovascular phenotype. Identifiers: MedGen CN230736.
RASopathy. Also called: Noonan spectrum disorder; rasopathies. Identifiers: Orphanet 536391, MedGen C5555857, MONDO:0021060.

Submissions (3):

Labcorp Genetics (formerly Invitae), Labcorp
Classification: Uncertain significance for RASopathy. Last evaluated: 2024-05-21. Review status: criteria provided, single submitter. Criteria: Invitae Variant Classification Sherloc (09022015). Collection method: clinical testing. Allele origin: germline.
Comment: This sequence change replaces tyrosine, which is neutral and polar, with cysteine, which is neutral and slightly polar, at codon 618 of the SOS1 protein (p.Tyr618Cys). This variant is not present in population databases (gnomAD no frequency). This variant has not been reported in the literature in individuals affected with SOS1-related conditions. ClinVar contains an entry for this variant (Variation ID: 1781362). Advanced modeling of protein sequence and biophysical properties (such as structural, functional, and spatial information, amino acid conservation, physicochemical variation, residue mobility, and thermodynamic stability) performed at Invitae indicates that this missense variant is expected to disrupt SOS1 protein function with a positive predictive value of 80%. In summary, the available evidence is currently insufficient to determine the role of this variant in disease. Therefore, it has been classified as a Variant of Uncertain Significance.

Blueprint Genetics
Classification: Uncertain significance. Last evaluated: 2023-02-02. Review status: criteria provided, single submitter. Criteria: ACMG Guidelines, 2015. Collection method: clinical testing. Allele origin: germline.

Ambry Genetics
Classification: Uncertain significance for Cardiovascular phenotype. Last evaluated: 2021-10-26. Review status: criteria provided, single submitter. Criteria: Ambry Variant Classification Scheme 2023. Collection method: clinical testing. Allele origin: germline.
Comment: The p.Y618C variant (also known as c.1853A>G), located in coding exon 10 of the SOS1 gene, results from an A to G substitution at nucleotide position 1853. The tyrosine at codon 618 is replaced by cysteine, an amino acid with highly dissimilar properties. This amino acid position is conserved. In addition, the in silico prediction for this alteration is inconclusive. Since supporting evidence is limited at this time, the clinical significance of this alteration remains unclear.